The following is an entry in ClinVar:

NM_000282.4(PCCA):c.1430-1G>A

Gene: PCCA (propionyl-CoA carboxylase subunit alpha; plus strand). Cytogenetic location: 13q32.3.
Variant type: single nucleotide variant.
Coding change: c.1430-1G>A on transcript NM_000282.4 (MANE Select); the canonical splice acceptor site of the intron before coding-DNA position 1430, G replaced by A.
Molecular consequence: splice acceptor variant.
Genome position (GRCh38, 1-based): chr13:100,330,560, G>A. VCF-style: chr13-100330560-G-A. GRCh37 (hg19) VCF-style: chr13-100982814-G-A.
Other names: c.1430-1G>A (NM_001178004.2, NM_001352605.2, NM_001352609.2); c.1286-1G>A (NM_001352606.2); c.485-1G>A (NM_001352610.2, NM_001352611.2); c.341-1G>A (NM_001352612.2); c.1352-1G>A (NM_001127692.3, NM_001352607.2); c.1208-1G>A (NM_001352608.2).
Identifiers: ClinVar variation 1465661 (VCV001465661.8), dbSNP rs2152733805, ClinGen allele CA388696043.

ClinVar aggregate classification (germline): Likely pathogenic (1 of 4 stars; one submission).

Conditions:
Propionic acidemia (PROP). Also called: GLYCINEMIA, KETOTIC; HYPERGLYCINEMIA WITH KETOACIDOSIS AND LEUKOPENIA; KETOTIC HYPERGLYCINEMIA. Identifiers: Orphanet 35, MedGen C0268579, MONDO:0011628, OMIM 606054, HP:0003571.

Submission:

Labcorp Genetics (formerly Invitae), Labcorp
Classification: Likely pathogenic for Propionic acidemia. Last evaluated: 2022-08-23. Review status: criteria provided, single submitter. Criteria: Invitae Variant Classification Sherloc (09022015). Collection method: clinical testing. Allele origin: germline.
Comment: ClinVar contains an entry for this variant (Variation ID: 1465661). In summary, the currently available evidence indicates that the variant is pathogenic, but additional data are needed to prove that conclusively. Therefore, this variant has been classified as Likely Pathogenic. Algorithms developed to predict the effect of sequence changes on RNA splicing suggest that this variant may disrupt the consensus splice site. Disruption of this splice site has been observed in individual(s) with propionic acidemia (PMID: 31916709). This variant is not present in population databases (gnomAD no frequency). This sequence change affects an acceptor splice site in intron 16 of the PCCA gene. It is expected to disrupt RNA splicing. Variants that disrupt the donor or acceptor splice site typically lead to a loss of protein function (PMID: 16199547), and loss-of-function variants in PCCA are known to be pathogenic (PMID: 15464417).

Literature cited by the submitters: PubMed 31916709; PubMed 16199547; PubMed 15464417.